The following is an entry in ClinVar:

ClinVar aggregate classification (germline): Uncertain significance (1 of 4 stars; one submission).

Conditions:
Inborn genetic diseases. Identifiers: MedGen C0950123, MeSH D030342.

Allele frequency attached by ClinVar (database versions not stated): gnomAD exomes below 0.00001.
gnomAD v4.1: 1 of 1,610,528 alleles (0.000062%); highest among the groups gnomAD compares: Non-Finnish European, 0.000085%; no homozygotes.

Submission:

Ambry Genetics
Classification: Uncertain significance for Inborn genetic diseases. Last evaluated: 2024-02-28. Review status: criteria provided, single submitter. Criteria: Ambry Variant Classification Scheme 2023. Collection method: clinical testing. Allele origin: germline.
Comment: The p.T2279S variant (also known as c.6835A>T), located in coding exon 46 of the LRRK2 gene, results from an A to T substitution at nucleotide position 6835. The threonine at codon 2279 is replaced by serine, an amino acid with similar properties. This amino acid position is conserved. In addition, this alteration is predicted to be tolerated by in silico analysis. Since supporting evidence is limited at this time, the clinical significance of this alteration remains unclear.

NM_198578.4(LRRK2):c.6835A>T (p.Thr2279Ser)

Gene: LRRK2 (leucine rich repeat kinase 2; plus strand). Cytogenetic location: 12q12.
Variant type: single nucleotide variant.
Coding change: c.6835A>T on transcript NM_198578.4 (MANE Select); coding-DNA position 6835, A replaced by T.
Protein change: p.Thr2279Ser; replaces threonine 2279 with serine.
Molecular consequence: missense variant.
Genome position (GRCh38, 1-based): chr12:40,356,179, A>T. VCF-style: chr12-40356179-A-T. GRCh37 (hg19) VCF-style: chr12-40749981-A-T.
Other names: short protein forms T2279S.
Identifiers: ClinVar variation 1755704 (VCV001755704.2), dbSNP rs2500000617, ClinGen allele CA384410261.